The following is an entry in ClinVar:

NM_170606.3(KMT2C):c.7246C>T (p.His2416Tyr)

Gene: KMT2C (lysine methyltransferase 2C; minus strand). Cytogenetic location: 7q36.1.
Variant type: single nucleotide variant.
Coding change: c.7246C>T on transcript NM_170606.3 (MANE Select); coding-DNA position 7246, C replaced by T.
Protein change: p.His2416Tyr; replaces histidine 2416 with tyrosine.
Molecular consequence: missense variant.
Genome position (GRCh38, 1-based): chr7:152,180,030, G>A on the plus strand (C>T on the coding strand, the complement: KMT2C is on the minus strand). VCF-style: chr7-152180030-G-A. GRCh37 (hg19) VCF-style: chr7-151877115-G-A.
Other names: short protein forms H2416Y.
Identifiers: ClinVar variation 5010125 (VCV005010125.1).

ClinVar aggregate classification (germline): Uncertain significance (1 of 4 stars; one submission).

gnomAD v4.1: 1 of 1,614,174 alleles (0.000062%); highest among the groups gnomAD compares: East Asian, 0.0022%; no homozygotes.

Submission:

GeneDx
Classification: Uncertain significance. Last evaluated: 2026-02-24. Review status: criteria provided, single submitter. Criteria: GeneDx Variant Classification Process June 2021. Collection method: clinical testing. Allele origin: germline.
Comment: Not observed at significant frequency in large population cohorts (gnomAD); In silico analysis supports that this missense variant has a deleterious effect on protein structure/function; Has not been previously published as pathogenic or benign to our knowledge